The following is an entry in ClinVar:

ClinVar aggregate classification (germline): Uncertain significance (1 of 4 stars; one submission).

Submission:

Labcorp Genetics (formerly Invitae), Labcorp
Classification: Uncertain significance. Last evaluated: 2023-12-14. Review status: criteria provided, single submitter. Criteria: Invitae Variant Classification Sherloc (09022015). Collection method: clinical testing. Allele origin: germline.
Comment: This sequence change creates a premature translational stop signal (Non-coding) in the TOP2B gene. While this is not anticipated to result in nonsense mediated decay, it is expected to disrupt the last 5 amino acid(s) of the TOP2B protein. This variant is not present in population databases (gnomAD no frequency). This variant has not been reported in the literature in individuals affected with TOP2B-related conditions. Experimental studies and prediction algorithms are not available or were not evaluated, and the functional significance of this variant is currently unknown. In summary, the available evidence is currently insufficient to determine the role of this variant in disease. Therefore, it has been classified as a Variant of Uncertain Significance.

NM_001330700.2(TOP2B):c.4865_*15inv (p.Phe1622_Ter1627delinsCysAlaLeuTrpAlaLeu)

Gene: TOP2B (DNA topoisomerase II beta; minus strand). Cytogenetic location: 3p24.2.
Variant type: Inversion.
Coding change: c.4865_*15inv on transcript NM_001330700.2 (MANE Select).
Protein change: p.Phe1622_Ter1627delinsCysAlaLeuTrpAlaLeu.
Molecular consequence: stop lost.
Genome position: GRCh38: chr3:25,598,292-25,598,323. GRCh37 (hg19): chr3:25,639,783-25,639,814.
Other names: c.4850_*15inv, p.Phe1617_Ter1622delinsCysAlaLeuTrpAlaLeu (NM_001068.3).
Identifiers: ClinVar variation 2701357 (VCV002701357.3), ClinGen allele CA2697550720.